The following is an entry in ClinVar:

ClinVar aggregate classification (germline): Uncertain significance (1 of 4 stars; one submission).

Conditions:
Inborn genetic diseases. Identifiers: MedGen C0950123, MeSH D030342.

gnomAD v4.1: 1 of 1,614,110 alleles (0.000062%); highest among the groups gnomAD compares: Non-Finnish European, 0.000085%; no homozygotes.

Submission:

Ambry Genetics
Classification: Uncertain significance for Inborn genetic diseases. Last evaluated: 2026-07-25. Review status: criteria provided, single submitter. Criteria: Ambry Variant Classification Scheme 2023. Collection method: clinical testing. Allele origin: germline.
Comment: The p.Q976E variant (also known as c.2926C>G), located in coding exon 13 of the ASXL1 gene, results from a C to G substitution at nucleotide position 2926. The glutamine at codon 976 is replaced by glutamic acid, an amino acid with highly similar properties. This amino acid position is conserved. In addition, this alteration is predicted to be tolerated by in silico analysis. Based on the available evidence, the clinical significance of this variant remains unclear.

NM_015338.6(ASXL1):c.2926C>G (p.Gln976Glu)

Gene: ASXL1 (ASXL transcriptional regulator 1; plus strand). Cytogenetic location: 20q11.21.
Variant type: single nucleotide variant.
Coding change: c.2926C>G on transcript NM_015338.6 (MANE Select); coding-DNA position 2926, C replaced by G.
Protein change: p.Gln976Glu; replaces glutamine 976 with glutamic acid.
Molecular consequence: missense variant.
Genome position (GRCh38, 1-based): chr20:32,435,638, C>G. VCF-style: chr20-32435638-C-G. GRCh37 (hg19) VCF-style: chr20-31023441-C-G.
Other names: c.2743C>G, p.Gln915Glu (NM_001363734.1); short protein forms Q976E, Q915E.
Identifiers: ClinVar variation 5030060 (VCV005030060.1).